The following is an entry in ClinVar:

NM_018993.4(RIN2):c.2074A>T (p.Met692Leu)

Gene: RIN2 (Ras and Rab interactor 2; plus strand). Cytogenetic location: 20p11.23.
Variant type: single nucleotide variant.
Coding change: c.2074A>T on transcript NM_018993.4 (MANE Select); coding-DNA position 2074, A replaced by T.
Protein change: p.Met692Leu; replaces methionine 692 with leucine.
Molecular consequence: missense variant.
Genome position (GRCh38, 1-based): chr20:19,992,173, A>T. VCF-style: chr20-19992173-A-T. GRCh37 (hg19) VCF-style: chr20-19972817-A-T.
Other names: c.2221A>T, p.Met741Leu (NM_001242581.2); c.1456A>T, p.Met486Leu (NM_001378238.1); short protein forms M741L, M692L, M486L.
Identifiers: ClinVar variation 1948387 (VCV001948387.5), dbSNP rs2146395245, ClinGen allele CA408365998.

ClinVar aggregate classification (germline): Uncertain significance (1 of 4 stars; one submission).

Submission:

Labcorp Genetics (formerly Invitae), Labcorp
Classification: Uncertain significance. Last evaluated: 2022-05-24. Review status: criteria provided, single submitter. Criteria: Invitae Variant Classification Sherloc (09022015). Collection method: clinical testing. Allele origin: germline.
Comment: In summary, the available evidence is currently insufficient to determine the role of this variant in disease. Therefore, it has been classified as a Variant of Uncertain Significance. Algorithms developed to predict the effect of missense changes on protein structure and function are either unavailable or do not agree on the potential impact of this missense change (SIFT: "Tolerated"; PolyPhen-2: "Not Available"; Align-GVGD: "Class C0"). This variant has not been reported in the literature in individuals affected with RIN2-related conditions. This variant is not present in population databases (gnomAD no frequency). This sequence change replaces methionine, which is neutral and non-polar, with leucine, which is neutral and non-polar, at codon 692 of the RIN2 protein (p.Met692Leu).